The following is an entry in ClinVar:

ClinVar aggregate classification (germline): Likely benign (1 of 4 stars; one submission).

Conditions:
ZIC2-related disorder. Also called: ZIC2-related condition.

Submission:

PreventionGenetics, part of Exact Sciences
Classification: Likely benign for ZIC2-related condition. Last evaluated: 2025-05-21. Review status: criteria provided, single submitter. Criteria: ACMG Guidelines, 2015. Collection method: clinical testing. Allele origin: germline.
Comment: This variant is classified as likely benign based on ACMG/AMP sequence variant interpretation guidelines (Richards et al. 2015 PMID: 25741868, with internal and published modifications).

NM_007129.5(ZIC2):c.742C>A (p.Arg248=)

Gene: ZIC2 (Zic family zinc finger 2; plus strand). Cytogenetic location: 13q32.3.
Variant type: single nucleotide variant.
Coding change: c.742C>A on transcript NM_007129.5 (MANE Select); coding-DNA position 742, C replaced by A.
Protein change: p.Arg248=; no amino-acid change (arginine 248 retained).
Molecular consequence: synonymous variant.
Genome position (GRCh38, 1-based): chr13:99,982,806, C>A. VCF-style: chr13-99982806-C-A. GRCh37 (hg19) VCF-style: chr13-100635060-C-A.
Identifiers: ClinVar variation 4979716 (VCV004979716.1).